The following is an entry in ClinVar:

ClinVar aggregate classification (germline): Uncertain significance (1 of 4 stars; one submission).

Submission:

Labcorp Genetics (formerly Invitae), Labcorp
Classification: Uncertain significance. Last evaluated: 2025-12-21. Review status: criteria provided, single submitter. Criteria: Invitae Variant Classification Sherloc (09022015). Collection method: clinical testing. Allele origin: germline.
Comment: This sequence change replaces valine, which is neutral and non-polar, with isoleucine, which is neutral and non-polar, at codon 634 of the HK1 protein (p.Val634Ile). This variant is not present in population databases (gnomAD no frequency). This variant has not been reported in the literature in individuals affected with HK1-related conditions. Invitae Evidence Modeling of protein sequence and biophysical properties (such as structural, functional, and spatial information, amino acid conservation, physicochemical variation, residue mobility, and thermodynamic stability) indicates that this missense variant is expected to disrupt HK1 protein function with a positive predictive value of 80%. In summary, the available evidence is currently insufficient to determine the role of this variant in disease. Therefore, it has been classified as a Variant of Uncertain Significance.

NM_000188.3(HK1):c.1900G>A (p.Val634Ile)

Gene: HK1 (hexokinase 1; plus strand). Cytogenetic location: 10q22.1.
Variant type: single nucleotide variant.
Coding change: c.1900G>A on transcript NM_000188.3 (MANE Select); coding-DNA position 1900, G replaced by A.
Protein change: p.Val634Ile; replaces valine 634 with isoleucine.
Molecular consequence: missense variant. On other transcripts: non-coding transcript variant (2).
Genome position (GRCh38, 1-based): chr10:69,386,383, G>A. VCF-style: chr10-69386383-G-A. GRCh37 (hg19) VCF-style: chr10-71146139-G-A.
Other names: c.1912G>A, p.Val638Ile (NM_001322364.2, NM_001358263.1, NM_033497.3 and 1 more transcripts); c.2005G>A, p.Val669Ile (NM_001322365.2); c.1816G>A, p.Val606Ile (NM_001322366.1, NM_001441143.1); c.1804G>A, p.Val602Ile (NM_001322367.1); c.1897G>A, p.Val633Ile (NM_001441139.1, NM_033496.3); c.1891G>A, p.Val631Ile (NM_001441140.1); c.1900G>A, p.Val634Ile (NM_001441141.1, NM_001441146.1, NM_001441148.1); c.1858G>A, p.Val620Ile (NM_001441142.1); and 8 more; short protein forms V421I, V512I, V560I, V631I, V634I, V396I, V602I, V606I.
Identifiers: ClinVar variation 4742707 (VCV004742707.1).
Genomic context (GRCh38, chr10:69,386,383, plus strand): 5'-GGAATCTTGATCACGTGGACAAAGGGTTTTAAGGCAACAGACTGCGTGGGCCACGATGTA[G>A]TCACCTTACTAAGGGATGCGATAAAAAGGAGAGAGGTAACTATTAAAAGAATGTTTTTTA-3'
Protein context (NP_000179.2, residues 624-644): KATDCVGHDV[Val634Ile]TLLRDAIKRR